The following is an entry in ClinVar:

NM_001005242.3(PKP2):c.1400C>T (p.Ser467Phe)

Gene: PKP2 (plakophilin 2; minus strand). Cytogenetic location: 12p11.21.
Variant type: single nucleotide variant.
Coding change: c.1400C>T on transcript NM_001005242.3 (MANE Select); coding-DNA position 1400, C replaced by T.
Protein change: p.Ser467Phe; replaces serine 467 with phenylalanine.
Molecular consequence: missense variant.
Genome position (GRCh38, 1-based): chr12:32,841,184, G>A on the plus strand (C>T on the coding strand, the complement: PKP2 is on the minus strand). VCF-style: chr12-32841184-G-A. GRCh37 (hg19) VCF-style: chr12-32994118-G-A.
Other names: c.1532C>T, p.Ser511Phe (NM_004572.4); short protein forms S467F, S511F.
Identifiers: ClinVar variation 1021297 (VCV001021297.8), dbSNP rs1287872807, ClinGen allele CA384368092.

ClinVar aggregate classification (germline): Uncertain significance (1 of 4 stars; one submission).

Conditions:
Arrhythmogenic right ventricular dysplasia 9 (ARVD9). Also called: Arrhythmogenic Right Ventricular Dysplasia/Cardiomyopathy 9; ARRHYTHMOGENIC RIGHT VENTRICULAR DYSPLASIA, FAMILIAL, 9. Identifiers: MedGen C1836906, MONDO:0012180, OMIM 609040.

gnomAD v4.1: 2 of 1,613,018 alleles (0.00012%); highest among the groups gnomAD compares: Non-Finnish European, 0.00017%; no homozygotes.

Submission:

Labcorp Genetics (formerly Invitae), Labcorp
Classification: Uncertain significance for Arrhythmogenic right ventricular dysplasia 9. Last evaluated: 2020-08-03. Review status: criteria provided, single submitter. Criteria: Invitae Variant Classification Sherloc (09022015). Collection method: clinical testing. Allele origin: germline.
Comment: In summary, the available evidence is currently insufficient to determine the role of this variant in disease. Therefore, it has been classified as a Variant of Uncertain Significance. Algorithms developed to predict the effect of missense changes on protein structure and function (SIFT, PolyPhen-2, Align-GVGD) all suggest that this variant is likely to be disruptive, but these predictions have not been confirmed by published functional studies and their clinical significance is uncertain. This variant has not been reported in the literature in individuals with PKP2-related conditions. This variant is not present in population databases (ExAC no frequency). This sequence change replaces serine with phenylalanine at codon 511 of the PKP2 protein (p.Ser511Phe). The serine residue is highly conserved and there is a large physicochemical difference between serine and phenylalanine.